The following is an entry in ClinVar:

ClinVar aggregate classification (germline): Pathogenic (1 of 4 stars; one submission).

Conditions:
Osteogenesis imperfecta type I (OI1). Also called: Lobstein disease; Osteogenesis imperfecta type 1; OI, TYPE I; OSTEOGENESIS IMPERFECTA TARDA; OSTEOGENESIS IMPERFECTA WITH BLUE SCLERAE; Lobstein's Disease. Identifiers: Orphanet 216796, Orphanet 666, MedGen C0023931, MONDO:0008146, OMIM 166200. Disease mechanism: loss of function.

Submission:

Labcorp Genetics (formerly Invitae), Labcorp
Classification: Pathogenic for Osteogenesis imperfecta type I. Last evaluated: 2018-06-07. Review status: criteria provided, single submitter. Criteria: Invitae Variant Classification Sherloc (09022015). Collection method: clinical testing. Allele origin: germline.
Comment: This variant is not present in population databases (ExAC no frequency). This sequence change creates a premature translational stop signal (p.Lys552*) in the COL1A1 gene. It is expected to result in an absent or disrupted protein product. This variant has not been reported in the literature in individuals with COL1A1-related disease. Loss-of-function variants in COL1A1 are known to be pathogenic (PMID: 7942841, 9295084, 9443882). For these reasons, this variant has been classified as Pathogenic.

Literature cited by the submitters: PubMed 7942841; PubMed 9295084; PubMed 9443882.

NM_000088.4(COL1A1):c.1654A>T (p.Lys552Ter)

Gene: COL1A1 (collagen type I alpha 1 chain; minus strand). Cytogenetic location: 17q21.33.
Variant type: single nucleotide variant.
Coding change: c.1654A>T on transcript NM_000088.4 (MANE Select); coding-DNA position 1654, A replaced by T.
Protein change: p.Lys552Ter; replaces lysine 552 with a stop codon.
Molecular consequence: nonsense.
Genome position (GRCh38, 1-based): chr17:50,194,144, T>A on the plus strand (A>T on the coding strand, the complement: COL1A1 is on the minus strand). VCF-style: chr17-50194144-T-A. GRCh37 (hg19) VCF-style: chr17-48271505-T-A.
Other names: short protein forms K552*.
Identifiers: ClinVar variation 580741 (VCV000580741.7), dbSNP rs1567759402, ClinGen allele CA400215845.